The following is an entry in ClinVar:

NM_000465.4(BARD1):c.568G>C (p.Asp190His)

Gene: BARD1 (BRCA1 associated RING domain 1; minus strand). Cytogenetic location: 2q35.
Variant type: single nucleotide variant.
Coding change: c.568G>C on transcript NM_000465.4 (MANE Select); coding-DNA position 568, G replaced by C.
Protein change: p.Asp190His; replaces aspartic acid 190 with histidine.
Molecular consequence: missense variant. On other transcripts: non-coding transcript variant (2), intron variant (3).
Genome position (GRCh38, 1-based): chr2:214,781,306, C>G on the plus strand (G>C on the coding strand, the complement: BARD1 is on the minus strand). VCF-style: chr2-214781306-C-G. GRCh37 (hg19) VCF-style: chr2-215646030-C-G.
Other names: c.511G>C, p.Asp171His (NM_001282543.2); c.158+28106G>C (NM_001282548.2); c.215+15755G>C (NM_001282545.2); c.364+10991G>C (NM_001282549.2); c.568G>C (NM_000465.2); short protein forms D190H, D171H.
Identifiers: ClinVar variation 406759 (VCV000406759.15), dbSNP rs369561166, ClinGen allele CA16610659.
Genomic context (GRCh38, chr2:214,781,306, plus strand): 5'-TTTTCTTTTTTTGCTTTTTTCCAGATCTTGCAGAAGCCTTTTTAGCCCTCTCAGAAACAT[C>G]TGCAGGAGGACTTGGGGAAACAAATTCATATGAGTCTTGCTGAGCACTTGCATCTTTTTT-3'
Protein context (NP_000456.2, residues 180-200): YEFVSPSPPA[Asp190His]VSERAKKASA

ClinVar aggregate classification (germline): Conflicting classifications of pathogenicity. Review status: criteria provided, conflicting classifications (1 of 4 stars). 3 submissions from 3 submitters: Uncertain significance (2); Likely benign (1). Last evaluated 2026-02-12.

Conditions:
Familial cancer of breast. Also called: BREAST CANCER, FAMILIAL; hereditary breast carcinoma; Hereditary breast cancer. Identifiers: Orphanet 227535, MedGen C0346153, MONDO:0016419, OMIM 114480. Disease mechanism: loss of function.
Hereditary cancer-predisposing syndrome. Also called: Tumor predisposition; Hereditary neoplastic syndrome; Neoplastic Syndromes, Hereditary; Hereditary Cancer Syndrome. Identifiers: Orphanet 140162, MedGen C0027672, MeSH D009386, MONDO:0015356.

gnomAD v4.1: 1 of 1,611,552 alleles (0.000062%); highest among the groups gnomAD compares: East Asian, 0.0022%; no homozygotes.

Submissions (3):

Women's Health and Genetics/Laboratory Corporation of America, LabCorp
Classification: Uncertain significance. Last evaluated: 2026-02-12. Review status: criteria provided, single submitter. Criteria: LabCorp Variant Classification Summary - May 2015. Collection method: clinical testing. Allele origin: germline.

Labcorp Genetics (formerly Invitae), Labcorp
Classification: Uncertain significance for Familial cancer of breast. Last evaluated: 2025-03-18. Review status: criteria provided, single submitter. Criteria: Invitae Variant Classification Sherloc (09022015). Collection method: clinical testing. Allele origin: germline.
Comment: This sequence change replaces aspartic acid, which is acidic and polar, with histidine, which is basic and polar, at codon 190 of the BARD1 protein (p.Asp190His). This variant is not present in population databases (gnomAD no frequency). This variant has not been reported in the literature in individuals affected with BARD1-related conditions. ClinVar contains an entry for this variant (Variation ID: 406759). An algorithm developed to predict the effect of missense changes on protein structure and function (PolyPhen-2) suggests that this variant is likely to be tolerated. In summary, the available evidence is currently insufficient to determine the role of this variant in disease. Therefore, it has been classified as a Variant of Uncertain Significance.

Ambry Genetics
Classification: Likely benign for Hereditary cancer-predisposing syndrome. Last evaluated: 2024-06-11. Review status: criteria provided, single submitter. Criteria: Ambry Variant Classification Scheme 2023. Collection method: clinical testing. Allele origin: germline.